The following is an entry in ClinVar:

NM_001370259.2(MEN1):c.946G>C (p.Glu316Gln)

Gene: MEN1 (menin 1; minus strand). Cytogenetic location: 11q13.1.
Variant type: single nucleotide variant.
Coding change: c.946G>C on transcript NM_001370259.2 (MANE Select); coding-DNA position 946, G replaced by C.
Protein change: p.Glu316Gln; replaces glutamic acid 316 with glutamine.
Molecular consequence: missense variant. On other transcripts: non-coding transcript variant (4).
Genome position (GRCh38, 1-based): chr11:64,806,335, C>G on the plus strand (G>C on the coding strand, the complement: MEN1 is on the minus strand). VCF-style: chr11-64806335-C-G. GRCh37 (hg19) VCF-style: chr11-64573807-C-G.
Other names: c.961G>C, p.Glu321Gln (NM_000244.4, NM_001407145.1, NM_001407150.1 and 5 more transcripts); c.946G>C, p.Glu316Gln (NM_001370251.2, NM_001370260.2, NM_001370261.2 and 7 more transcripts); c.841G>C, p.Glu281Gln (NM_001370262.2, NM_001370263.2, NM_001407148.1 and 2 more transcripts); short protein forms E281Q, E316Q, E321Q.
Identifiers: ClinVar variation 4859888 (VCV004859888.1).
Genomic context (GRCh38, chr11:64,806,335, plus strand): 5'-CCCGCACATTGCGGTTGCGACAGTGGTAGCCAGCCAGGTACATGTAGGGGTAGATGTGTT[C>G]ATCCCGATAGTAGGTCTTGGCTGAGGCAATGCCCTGGATGGAGGTGAGGCAGAGGATCCT-3'
Protein context (NP_001357188.2, residues 306-326): IASAKTYYRD[Glu316Gln]HIYPYMYLAG

ClinVar aggregate classification (germline): Uncertain significance (1 of 4 stars; one submission).

Conditions:
Hereditary cancer-predisposing syndrome. Also called: Neoplastic Syndromes, Hereditary; Tumor predisposition; Hereditary Cancer Syndrome; Hereditary neoplastic syndrome. Identifiers: Orphanet 140162, MedGen C0027672, MeSH D009386, MONDO:0015356.

Submission:

Ambry Genetics
Classification: Uncertain significance for Hereditary cancer-predisposing syndrome. Last evaluated: 2026-04-12. Review status: criteria provided, single submitter. Criteria: Ambry Variant Classification Scheme 2023. Collection method: clinical testing. Allele origin: germline.
Comment: The p.E316Q variant (also known as c.946G>C), located in coding exon 6 of the MEN1 gene, results from a G to C substitution at nucleotide position 946. The glutamic acid at codon 316 is replaced by glutamine, an amino acid with highly similar properties. This amino acid position is conserved. In addition, the in silico prediction for this alteration is inconclusive. Based on the available evidence, the clinical significance of this variant remains unclear.